The following is an entry in ClinVar:

ClinVar aggregate classification (germline): Benign (1 of 4 stars; one submission).

Allele frequency attached by ClinVar (database versions not stated): gnomAD 0.28353 and 0.29094; 1000 Genomes Project 0.30032; TOPMed 0.30496; 1000 Genomes Project 30x 0.30918.
gnomAD v4.1: 42,982 of 152,080 alleles (28%); highest among the groups gnomAD compares: African/African-American, 55%; 8,237 homozygotes.

Submission:

GeneDx
Classification: Benign. Last evaluated: 2018-06-19. Review status: criteria provided, single submitter. Criteria: GeneDx Variant Classification (06012015). Collection method: clinical testing. Allele origin: germline. Affected: yes.
Comment: This variant is considered likely benign or benign based on one or more of the following criteria: it is a conservative change, it occurs at a poorly conserved position in the protein, it is predicted to be benign by multiple in silico algorithms, and/or has population frequency not consistent with disease.

NM_001080477.4(TENM3):c.7344+175C>G

Gene: TENM3 (teneurin transmembrane protein 3; plus strand). Cytogenetic location: 4q35.1.
Variant type: single nucleotide variant.
Coding change: c.7344+175C>G on transcript NM_001080477.4 (MANE Select); 175 bases into the intron after coding-DNA position 7344, C replaced by G.
Molecular consequence: intron variant.
Genome position (GRCh38, 1-based): chr4:182,796,942, C>G. VCF-style: chr4-182796942-C-G. GRCh37 (hg19) VCF-style: chr4-183718095-C-G.
Identifiers: ClinVar variation 667660 (VCV000667660.1), dbSNP rs61576299, ClinGen allele CA11710440.